The following is an entry in ClinVar:

NM_000350.3(ABCA4):c.3163C>T (p.Arg1055Trp)

Gene: ABCA4 (ATP binding cassette subfamily A member 4; minus strand). Cytogenetic location: 1p22.1.
Variant type: single nucleotide variant.
Coding change: c.3163C>T on transcript NM_000350.3 (MANE Select); coding-DNA position 3163, C replaced by T.
Protein change: p.Arg1055Trp; replaces arginine 1055 with tryptophan.
Molecular consequence: missense variant.
Genome position (GRCh38, 1-based): chr1:94,043,363, G>A on the plus strand (C>T on the coding strand, the complement: ABCA4 is on the minus strand). VCF-style: chr1-94043363-G-A. GRCh37 (hg19) VCF-style: chr1-94508919-G-A.
Other names: c.2941C>T, p.Arg981Trp (NM_001425324.1); short protein forms R1055W, R981W.
Identifiers: ClinVar variation 99200 (VCV000099200.7), dbSNP rs61752412, ClinGen allele CA227085.
Genomic context (GRCh38, chr1:94,043,363, plus strand): 5'-TCTGTGGCCCTGTCTCCATCCAGCTCTGAGCACCTGATAGGTCCTGAGCCTCTTCATTCC[G>A]CTTGTGGTGGAGGCCTGTGTCCTCCAACATGGCTTCCATCTCCAGCTGGGCCTCCTCCTG-3'
Protein context (NP_000341.2, residues 1045-1065): MLEDTGLHHK[Arg1055Trp]NEEAQDLSGG

ClinVar aggregate classification (germline): Uncertain significance. Review status: criteria provided, multiple submitters, no conflicts (2 of 4 stars). 5 submissions from 5 submitters: Uncertain significance (4). 1 of the submissions does not count toward it. Last evaluated 2025-01-13.

Conditions:
Retinal dystrophy. Also called: Inherited retinal dystrophy. Identifiers: Orphanet 71862, MedGen C0854723, MeSH D058499, MONDO:0019118, HP:0000556.
Severe early-childhood-onset retinal dystrophy (STGD1). Also called: MACULAR DYSTROPHY WITH FLECKS, TYPE 1; STGD; Stargardt disease 1; Stargardt macular dystrophy; Juvenile onset macular degeneration. Identifiers: Orphanet 364055, Orphanet 827, MedGen C1855465, MeSH D000080362, MONDO:0009549, OMIM 248200.

Allele frequency attached by ClinVar (database versions not stated): gnomAD 0.00001; TOPMed 0.00001.
gnomAD v4.1: 78 of 1,613,922 alleles (0.0048%); highest among the groups gnomAD compares: South Asian, 0.059%; no homozygotes.

Submissions (5):

Labcorp Genetics (formerly Invitae), Labcorp
Classification: Uncertain significance. Last evaluated: 2025-01-13. Review status: criteria provided, single submitter. Criteria: Invitae Variant Classification Sherloc (09022015). Collection method: clinical testing. Allele origin: germline.
Comment: This sequence change replaces arginine, which is basic and polar, with tryptophan, which is neutral and slightly polar, at codon 1055 of the ABCA4 protein (p.Arg1055Trp). This variant is present in population databases (rs61752412, gnomAD 0.06%). This missense change has been observed in individual(s) with retinitis pigmentosa and/or Stargardt disease (PMID: 11385708, 19265867, 34315337). ClinVar contains an entry for this variant (Variation ID: 99200). Invitae Evidence Modeling of protein sequence and biophysical properties (such as structural, functional, and spatial information, amino acid conservation, physicochemical variation, residue mobility, and thermodynamic stability) indicates that this missense variant is expected to disrupt ABCA4 protein function with a positive predictive value of 95%. In summary, the available evidence is currently insufficient to determine the role of this variant in disease. Therefore, it has been classified as a Variant of Uncertain Significance.

Genomic Medicine Center of Excellence, King Faisal Specialist Hospital and Research Centre
Classification: Uncertain significance for Severe early-childhood-onset retinal dystrophy. Last evaluated: 2024-04-04. Review status: criteria provided, single submitter. Criteria: ACMG Guidelines, 2015. Collection method: clinical testing. Allele origin: germline.

Blueprint Genetics
Classification: Uncertain significance. Last evaluated: 2023-11-28. Review status: criteria provided, single submitter. Criteria: ACMG Guidelines, 2015. Collection method: clinical testing. Allele origin: germline.

Institute of Human Genetics, Univ. Regensburg, Univ. Regensburg
Classification: Uncertain significance for Retinal dystrophy. Last evaluated: 2022-01-01. Review status: criteria provided, single submitter. Criteria: ACMG Guidelines, 2015. Collection method: clinical testing. Allele origin: germline. Affected: yes.

Retina International
No classification provided. Review status: no classification provided. Collection method: not provided. Allele origin: not provided. Not counted in ClinVar's aggregate classification.

Literature cited by the submitters: PubMed 11385708 (cited by Labcorp Genetics (formerly Invitae), Labcorp and Institute of Human Genetics, Univ. Regensburg, Univ. Regensburg); PubMed 19265867 (cited by Labcorp Genetics (formerly Invitae), Labcorp); PubMed 34315337 (cited by Labcorp Genetics (formerly Invitae), Labcorp); PubMed 3442652 (cited by Institute of Human Genetics, Univ. Regensburg, Univ. Regensburg).